The following is an entry in ClinVar:

ClinVar aggregate classification (germline): Pathogenic/Likely pathogenic. Review status: criteria provided, multiple submitters, no conflicts (2 of 4 stars). 2 submissions from 2 submitters: Pathogenic (1); Likely pathogenic (1). Last evaluated 2025-02-25.

Conditions:
Werner syndrome (WRN). Identifiers: Orphanet 902, MedGen C0043119, MONDO:0010196, OMIM 277700.

Submissions (2):

Department of Clinical Genetics, Copenhagen University Hospital, Rigshospitalet
Classification: Likely pathogenic for Werner syndrome. Last evaluated: 2025-02-25. Review status: criteria provided, single submitter. Criteria: ACMG Guidelines, 2015. Collection method: clinical testing. Allele origin: germline.
Comment: The following ACMG criteria has been used: PM2_SUP (reported once in gnomAD v.4.1); PVS1

Labcorp Genetics (formerly Invitae), Labcorp
Classification: Pathogenic for Werner syndrome. Last evaluated: 2023-06-28. Review status: criteria provided, single submitter. Criteria: Invitae Variant Classification Sherloc (09022015). Collection method: clinical testing. Allele origin: germline.
Comment: For these reasons, this variant has been classified as Pathogenic. This variant has not been reported in the literature in individuals affected with WRN-related conditions. This variant is not present in population databases (gnomAD no frequency). This sequence change creates a premature translational stop signal (p.Gln623Valfs*9) in the WRN gene. It is expected to result in an absent or disrupted protein product. Loss-of-function variants in WRN are known to be pathogenic (PMID: 16673358).

Literature cited by the submitters: PubMed 16673358 (cited by Labcorp Genetics (formerly Invitae), Labcorp).

NM_000553.6(WRN):c.1867_1868del (p.Gln623fs)

Gene: WRN (WRN RecQ like helicase; plus strand). Cytogenetic location: 8p12.
Variant type: Microsatellite.
Coding change: c.1867_1868del on transcript NM_000553.6 (MANE Select); coding-DNA positions 1867 to 1868, 2 bases deleted (CA; older notation c.1867_1868delCA).
Protein change: p.Gln623fs; shifts the reading frame from glutamine 623.
Molecular consequence: frameshift variant.
Genome position (GRCh38, 1-based): chr8:31,091,867-31,091,868, CA deleted; deleting any 2 consecutive bases within chr8:31,091,865-31,091,868 gives the same sequence; the c. name uses the placement nearest the transcript's 3' end. VCF-style (leftmost placement, unchanged base first): chr8-31091864-GCA-G. GRCh37 (hg19) VCF-style: chr8-30949380-GCA-G.
Other names: short protein forms Q623fs.
Identifiers: ClinVar variation 2974881 (VCV002974881.4), dbSNP rs2535934098, ClinGen allele CA2686836833.